The following is an entry in ClinVar:

ClinVar aggregate classification (germline): Uncertain significance. Review status: criteria provided, multiple submitters, no conflicts (2 of 4 stars). 2 submissions from 2 submitters: Uncertain significance (2). Last evaluated 2025-09-03.

Conditions:
Inborn genetic diseases. Identifiers: MedGen C0950123, MeSH D030342.

Allele frequency attached by ClinVar (database versions not stated): TOPMed 0.00001; gnomAD 0.00001; 1000 Genomes Project 30x 0.00016; ExAC 0.00002.
gnomAD v4.1: 11 of 1,611,462 alleles (0.00068%); highest among the groups gnomAD compares: Admixed American, 0.005%; no homozygotes.

Submissions (2):

Labcorp Genetics (formerly Invitae), Labcorp
Classification: Uncertain significance. Last evaluated: 2025-09-03. Review status: criteria provided, single submitter. Criteria: Invitae Variant Classification Sherloc (09022015). Collection method: clinical testing. Allele origin: germline.
Comment: This sequence change replaces arginine, which is basic and polar, with tryptophan, which is neutral and slightly polar, at codon 158 of the POLR1A protein (p.Arg158Trp). This variant is present in population databases (rs778105892, gnomAD 0.006%). This variant has not been reported in the literature in individuals affected with POLR1A-related conditions. ClinVar contains an entry for this variant (Variation ID: 2969833). Invitae Evidence Modeling of protein sequence and biophysical properties (such as structural, functional, and spatial information, amino acid conservation, physicochemical variation, residue mobility, and thermodynamic stability) indicates that this missense variant is not expected to disrupt POLR1A protein function with a negative predictive value of 80%. In summary, the available evidence is currently insufficient to determine the role of this variant in disease. Therefore, it has been classified as a Variant of Uncertain Significance.

Ambry Genetics
Classification: Uncertain significance for Inborn genetic diseases. Last evaluated: 2025-06-18. Review status: criteria provided, single submitter. Criteria: Ambry Variant Classification Scheme 2023. Collection method: clinical testing. Allele origin: germline.

NM_015425.6(POLR1A):c.472C>T (p.Arg158Trp)

Gene: POLR1A (RNA polymerase I subunit A; minus strand). Cytogenetic location: 2p11.2.
Variant type: single nucleotide variant.
Coding change: c.472C>T on transcript NM_015425.6 (MANE Select); coding-DNA position 472, C replaced by T.
Protein change: p.Arg158Trp; replaces arginine 158 with tryptophan.
Molecular consequence: missense variant.
Genome position (GRCh38, 1-based): chr2:86,089,890, G>A on the plus strand (C>T on the coding strand, the complement: POLR1A is on the minus strand). VCF-style: chr2-86089890-G-A. GRCh37 (hg19) VCF-style: chr2-86317013-G-A.
Other names: c.472C>T (NM_015425.3); short protein forms R158W.
Identifiers: ClinVar variation 2969833 (VCV002969833.4), dbSNP rs778105892, ClinGen allele CA1746654.